The following is an entry in ClinVar:

ClinVar aggregate classification (germline): Likely benign. Review status: criteria provided, single submitter (1 of 4 stars). 2 submissions from 2 submitters: Likely benign (1). 1 of the submissions does not count toward it. Last evaluated 2019-12-31.

Conditions:
MST1R-related disorder. Also called: MST1R-related condition.

Allele frequency attached by ClinVar (database versions not stated): gnomAD exomes 0.00021 and 0.00051; ExAC 0.00062; ESP Exome Variant Server 0.00138; gnomAD 0.00184 and 0.00196; TOPMed 0.00200; 1000 Genomes Project 0.00300; 1000 Genomes Project 30x 0.00344.
gnomAD v4.1: 598 of 1,613,724 alleles (0.037%); highest among the groups gnomAD compares: African/African-American, 0.7%; 2 homozygotes.

Submissions (2):

Labcorp Genetics (formerly Invitae), Labcorp
Classification: Likely benign. Last evaluated: 2019-12-31. Review status: criteria provided, single submitter. Criteria: Invitae Variant Classification Sherloc (09022015). Collection method: clinical testing. Allele origin: germline.

PreventionGenetics, part of Exact Sciences
Classification: Likely benign for MST1R-related condition. Last evaluated: 2019-12-24. Review status: no assertion criteria provided. Collection method: clinical testing. Allele origin: germline. Not counted in ClinVar's aggregate classification.
Comment: This variant is classified as likely benign based on ACMG/AMP sequence variant interpretation guidelines (Richards et al. 2015 PMID: 25741868, with internal and published modifications).

NM_002447.4(MST1R):c.2068C>T (p.Gln690Ter)

Gene: MST1R (macrophage stimulating 1 receptor; minus strand). Cytogenetic location: 3p21.31.
Variant type: single nucleotide variant.
Coding change: c.2068C>T on transcript NM_002447.4 (MANE Select); coding-DNA position 2068, C replaced by T.
Protein change: p.Gln690Ter; replaces glutamine 690 with a stop codon.
Molecular consequence: nonsense. On other transcripts: non-coding transcript variant (1).
Genome position (GRCh38, 1-based): chr3:49,897,395, G>A on the plus strand (C>T on the coding strand, the complement: MST1R is on the minus strand). VCF-style: chr3-49897395-G-A. GRCh37 (hg19) VCF-style: chr3-49934828-G-A.
Other names: c.2068C>T, p.Gln690Ter (NM_001244937.3); c.1750C>T, p.Gln584Ter (NM_001318913.2); short protein forms Q584*, Q690*.
Identifiers: ClinVar variation 789985 (VCV000789985.6), dbSNP rs61734381, ClinGen allele CA2409016.